The following is an entry in ClinVar:

NM_015311.3(OBSL1):c.4143T>C (p.Cys1381=)

Gene: OBSL1 (obscurin like cytoskeletal adaptor 1; minus strand). Cytogenetic location: 2q35.
Variant type: single nucleotide variant.
Coding change: c.4143T>C on transcript NM_015311.3 (MANE Select); coding-DNA position 4143, T replaced by C.
Protein change: p.Cys1381=; no amino-acid change (cysteine 1381 retained).
Molecular consequence: synonymous variant.
Genome position (GRCh38, 1-based): chr2:219,556,647, A>G on the plus strand (T>C on the coding strand, the complement: OBSL1 is on the minus strand). VCF-style: chr2-219556647-A-G. GRCh37 (hg19) VCF-style: chr2-220421369-A-G.
Other names: c.4143T>C (NM_015311.2); c.4143T>C, p.Cys1381= (NM_001173431.2).
Identifiers: ClinVar variation 2973287 (VCV002973287.5), dbSNP rs777850961, ClinGen allele CA2130651.
Genomic context (GRCh38, chr2:219,556,647, plus strand): 5'-TGGAGTGACGACGGCCCCATTGCGCAGCCAGGTGACATCGGCATCTGGTGGGGAGACTTC[A>G]CACCGGAACGTGGCATCATCGCCCTCGTGGACAGTGAGTGGTGTCAGCTCCGAGACCAGC-3'
Protein context (NP_056126.1, residues 1371-1391): VHEGDDATFR[Cys1381=]EVSPPDADVT

ClinVar aggregate classification (germline): Likely benign. Review status: criteria provided, single submitter (1 of 4 stars). 2 submissions from 2 submitters: Likely benign (1). 1 of the submissions does not count toward it. Last evaluated 2023-10-16.

Conditions:
OBSL1-related disorder. Also called: OBSL1-related condition.

Allele frequency attached by ClinVar (database versions not stated): gnomAD exomes below 0.00001; gnomAD 0.00001; ExAC 0.00002.
gnomAD v4.1: 8 of 1,613,236 alleles (0.0005%); highest among the groups gnomAD compares: Middle Eastern, 0.016%; no homozygotes.

Submissions (2):

Labcorp Genetics (formerly Invitae), Labcorp
Classification: Likely benign. Last evaluated: 2023-10-16. Review status: criteria provided, single submitter. Criteria: Invitae Variant Classification Sherloc (09022015). Collection method: clinical testing. Allele origin: germline.

PreventionGenetics, part of Exact Sciences
Classification: Likely benign for OBSL1-related condition. Last evaluated: 2019-05-28. Review status: no assertion criteria provided. Collection method: clinical testing. Allele origin: germline. Not counted in ClinVar's aggregate classification.
Comment: This variant is classified as likely benign based on ACMG/AMP sequence variant interpretation guidelines (Richards et al. 2015 PMID: 25741868, with internal and published modifications).